The following is an entry in ClinVar:

NM_000071.3(CBS):c.341C>T (p.Ala114Val)

Gene: CBS (cystathionine beta-synthase; minus strand). Cytogenetic location: 21q22.3.
Variant type: single nucleotide variant.
Coding change: c.341C>T on transcript NM_000071.3 (MANE Select); coding-DNA position 341, C replaced by T.
Protein change: p.Ala114Val; replaces alanine 114 with valine.
Molecular consequence: missense variant.
Genome position (GRCh38, 1-based): chr21:43,066,353, G>A on the plus strand (C>T on the coding strand, the complement: CBS is on the minus strand). VCF-style: chr21-43066353-G-A. GRCh37 (hg19) VCF-style: chr21-44486463-G-A.
Other names: p.A114V:GCG>GTG; c.341C>T, p.Ala114Val (NM_001178008.3, NM_001178009.3, NM_001320298.2); c.26C>T, p.Ala9Val (NM_001321072.1); short protein forms A114V, A9V.
Identifiers: ClinVar variation 119 (VCV000000119.50), dbSNP rs121964964, ClinGen allele CA113878.

ClinVar aggregate classification (germline): Pathogenic/Likely pathogenic. Review status: criteria provided, multiple submitters, no conflicts (2 of 4 stars). 24 submissions from 24 submitters: Pathogenic (18); Likely pathogenic (4). 2 of the submissions do not count toward it. Last evaluated 2026-02-01.

Conditions:
CBS-related disorder. Also called: CBS-related condition.
Homocystinuria. Identifiers: MedGen C0019880, MONDO:0004737, HP:0002156.
Familial thoracic aortic aneurysm and aortic dissection (TAAD). Also called: Thoracic aortic aneurysms and dissections. Identifiers: Orphanet 91387, MedGen C4707243, MONDO:0019625.
Classic homocystinuria. Also called: Homocystinuria due to CBS deficiency; Cystathionine beta-synthase deficiency; CBS deficiency; HOMOCYSTINURIA WITH OR WITHOUT RESPONSE TO PYRIDOXINE; Homocystinuria due to Cystathionine Beta-Synthase Deficiency. Identifiers: Orphanet 394, MedGen C0751202, MONDO:0009352, OMIM 236200.
Homocystinuria, pyridoxine-responsive. Identifiers: MedGen C3502110.
HYPERHOMOCYSTEINEMIA, THROMBOTIC, CBS-RELATED. Identifiers: MedGen C3150344, OMIM 236200.

Allele frequency attached by ClinVar (database versions not stated): gnomAD 0.00004 and 0.00005; gnomAD exomes 0.00011 and 0.00021; 1000 Genomes Project 30x 0.00016; TOPMed 0.00019; 1000 Genomes Project 0.00020; ExAC 0.00027.

Submissions 1 to 6 of 24:

Labcorp Genetics (formerly Invitae), Labcorp
Classification: Pathogenic for HYPERHOMOCYSTEINEMIA, THROMBOTIC, CBS-RELATED. Last evaluated: 2026-02-01. Review status: criteria provided, single submitter. Criteria: Invitae Variant Classification Sherloc (09022015). Collection method: clinical testing. Allele origin: germline.
Comment: This sequence change replaces alanine, which is neutral and non-polar, with valine, which is neutral and non-polar, at codon 114 of the CBS protein (p.Ala114Val). This variant is present in population databases (rs121964964, gnomAD 0.03%). This missense change has been observed in individual(s) with homocystinuria due to cystathionine-beta synthase (CBS) deficiency (PMID: 7762555, 8353501). ClinVar contains an entry for this variant (Variation ID: 119). Invitae Evidence Modeling of protein sequence and biophysical properties (such as structural, functional, and spatial information, amino acid conservation, physicochemical variation, residue mobility, and thermodynamic stability) indicates that this missense variant is expected to disrupt CBS protein function with a positive predictive value of 95%. Experimental studies have shown that this missense change affects CBS function (PMID: 20490928, 20506325, 22069143, 22267502, 22612060). For these reasons, this variant has been classified as Pathogenic.

GeneDx
Classification: Pathogenic. Last evaluated: 2025-12-05. Review status: criteria provided, single submitter. Criteria: GeneDx Variant Classification Process June 2021. Collection method: clinical testing. Allele origin: germline. Affected: yes.
Comment: Published functional studies have shown p.(A114V) leads to protein misfolding and instability compared to wild-type alleles (PMID: 22069143, 20506325); In silico analysis supports that this missense variant has a deleterious effect on protein structure/function; This variant is associated with the following publications: (PMID: 22612060, 22267502, 22985361, 25331909, 22069143, 20308073, 14722927, 10408774, 8353501, 28097321, 25087612, 12686134, 20506325, 20490928, 11748855, 20066033, 16479318, 7762555, 31589614, 11359213, 34426522, 7967489, 39041895, 37460657, 38532509, 16307898, 40495464, 14739681)

Natera, Inc.
Classification: Likely pathogenic for Homocystinuria due to cystathionine beta-synthase deficiency. Last evaluated: 2025-11-24. Review status: criteria provided, single submitter. Criteria: Natera Variant Classification Schema (03/2026). Collection method: clinical testing. Allele origin: germline.
Comment: The c.341C>T variant in CBS is a missense variant predicted to cause substitution of alanine to valine at amino acid 114. This variant is rare in the general population with a frequency below the threshold expected for the associated phenotype(s). This variant has been observed in one or more individuals affected with the associated recessive disease, as either homozygous or compound heterozygous with a second variant (PMID: 8353501, 9587029, 11535567, 20567906, 33868930). Additionally, this variant has been observed to segregate in affected family members (PMID: 11535567). Computational prediction algorithms indicate this variant is likely to affect gene or protein function. Given the available evidence, this variant is classified as Likely Pathogenic.

Ambry Genetics
Classification: Pathogenic for Familial thoracic aortic aneurysm and aortic dissection. Last evaluated: 2025-08-27. Review status: criteria provided, single submitter. Criteria: Ambry Variant Classification Scheme 2023. Collection method: clinical testing. Allele origin: germline.
Comment: The p.A114V pathogenic mutation (also known as c.341C>T), located in coding exon 3 of the CBS gene, results from a C to T substitution at nucleotide position 341. The alanine at codon 114 is replaced by valine, an amino acid with similar properties. This variant has been reported to co-occur with other CBS pathogenic and likely pathogenic variants in several individuals with homocystinuria, including at least one case where the variants were confirmed in trans (Kozich V et al. Hum. Mol. Genet., 1993 Jun;2:815-6; Sebastio G et al. Am. J. Hum. Genet., 1995 Jun;56:1324-33; Janos&iacute;k M et al. Am. J. Hum. Genet., 2001 Jun;68:1506-13; Orend&aacute;c M et al. J Inherit Metab Di . 2003 ;26(8):761-73; Katsushima F et al. Mol Genet Metab. 2006 Apr;87(4):323-8; Sweetser DA et al. N Engl J Med. 2016 11;375(19):1879-1890). Functional studies demonstrated reduced enzyme activity likely due to impaired folding and/or tetramer formation (Janos&iacute;k M et al. Am. J. Hum. Genet., 2001 Jun;68:1506-13; Kozich V et al. Hum. Mol. Genet., 1993 Jun;2:815-6; Majtan T et al. J. Biol. Chem., 2010 May;285:15866-73). In addition, this alteration is predicted to be deleterious by in silico analysis. Based on the supporting evidence, this alteration is interpreted as a disease-causing mutation.

Dasa
Classification: Pathogenic. Last evaluated: 2025-04-18. Review status: criteria provided, single submitter. Criteria: DASA Assertion Criteria. Collection method: clinical testing. Allele origin: germline.
Comment: NM_000071.3(CBS):c.341C>T (p.Ala114Val) is a missense variant that results in the substitution of alanine with valine. The affected residue or protein region has prior evidence supporting clinical relevance. This variant has been recurrently observed in affected individuals with related phenotype in a genotype context consistent with recessive disease (PMID: 7762555; PMID: 8353501; PMID: 20490928; PMID: 20506325; PMID: 22069143). Functional evidence supports a deleterious effect on the gene or gene product (PMID: 7762555; PMID: 8353501; PMID: 20490928; PMID: 20506325; PMID: 22069143). Multiple computational predictions support a deleterious effect on the gene or gene product. The variant is present at low frequency in population datasets. Based on the available data, this variant is classified as pathogenic.

ARUP Laboratories, Molecular Genetics and Genomics, ARUP Laboratories
Classification: Pathogenic. Last evaluated: 2025-03-24. Review status: criteria provided, single submitter. Criteria: ARUP Molecular Germline Variant Investigation Process 2024. Collection method: clinical testing. Allele origin: germline.
Comment: The CBS c.341C>T; p.Ala114Val variant (rs121964964) has been detected in both a compound heterozygous form together with another CBS variant, or with no second CBS variant identified, in several patients with a clinical diagnosis of homocystinuria (Kozich 1993, Sebastio 1995, Kraus 1999, de Franchis 1999, Moat 2005). This variant is reported as pathogenic in ClinVar (Variation ID: 119) and is found in the general population with an overall allele frequency of 0.02% (61/282,364 alleles) in the Genome Aggregation Database (v2.1.1). Computational analyses predict that this variant is deleterious (REVEL: 0.88). This variant was reported to be compatible with pyridoxine responsiveness in several patients (Kraus 1999). This variant is located in the dimer interface of the active core (Meier 2003), and in vitro studies of this variant have shown an enzyme activity in the range of 46.2-76.9% of wild-type CBS (de Franchis 1999; Hnizda 2012). Functional studies found the protein was determined to be relatively stable (deFranchis 1999, Hnizda 2012) and able to form tetramers up to approximately 74% of that observed in controls (Janosik 2001, Hnizda 2012). Based on these observations, we have classified p.Ala114Val as a mild pathogenic variant. References: de Franchis R et al. Four novel mutations in the cystathionine beta-synthase gene: effect of a second linked mutation on the severity of the homocystinuric phenotype. Hum Mutat. 1999;13(6):453-7. PMID: 10408774. Hnizda A et al. Cystathionine beta-synthase mutants exhibit changes in protein unfolding: conformational analysis of misfolded variants in crude cell extracts. J Inherit Metab Dis. 2012 May;35(3):469-77. PMID: 22069143. Janosik M et al. Impaired heme binding and aggregation of mutant cystathionine beta-synthase subunits in homocystinuria. Am J Hum Genet. 2001 Jun;68(6):1506-13. PMID: 11359213. Kozich V et al. Molecular defect in a patient with pyridoxine-responsive homocystinuria. Hum Mol Genet. 1993 Jun;2(6):815-6. PMID: 8353501. Kraus JP et al. Cystathionine beta-synthase mutations in homocystinuria. Hum Mutat. 1999;13(5):362-75. PMID: 10338090. Meier M et al. Structural insights into mutations of cystathionine beta-synthase. Biochim Biophys Acta. 2003 Apr 11;1647(1-2):206-13. PMID: 12686134. Moat SJ et al. The molecular basis of cystathionine beta-synthase (CBS) deficiency in UK and US patients with homocystinuria. Hum Mutat. 2004 Feb;23(2):206. PMID: 14722927. Sebastio G et al. The molecular basis of homocystinuria due to cystathionine beta-synthase deficiency in Italian families, and report of four novel mutations. Am J Hum Genet. 1995 Jun;56(6):1324-33. PMID: 7762555.